The following is an entry in ClinVar:

NM_001130144.3(LTBP3):c.2017G>T (p.Gly673Cys)

Gene: LTBP3 (latent transforming growth factor beta binding protein 3; minus strand). Cytogenetic location: 11q13.1.
Variant type: single nucleotide variant.
Coding change: c.2017G>T on transcript NM_001130144.3 (MANE Select); coding-DNA position 2017, G replaced by T.
Protein change: p.Gly673Cys; replaces glycine 673 with cysteine.
Molecular consequence: missense variant.
Genome position (GRCh38, 1-based): chr11:65,547,529, C>A on the plus strand (G>T on the coding strand, the complement: LTBP3 is on the minus strand). VCF-style: chr11-65547529-C-A. GRCh37 (hg19) VCF-style: chr11-65315000-C-A.
Other names: c.1666G>T, p.Gly556Cys (NM_001164266.1); c.2017G>T, p.Gly673Cys (NM_021070.4); short protein forms G556C, G673C.
Identifiers: ClinVar variation 1327506 (VCV001327506.2), dbSNP rs2135141843, ClinGen allele CA381271053.

ClinVar aggregate classification (germline): Pathogenic (1 of 4 stars; one submission).

Conditions:
Geleophysic dysplasia 3. Identifiers: MedGen C4540511, MONDO:0054722, OMIM 617809.

Submission:

Center of Excellence in Precision Medicine and Digital Health (CEPMDH), Faculty of Dentistry, Chulalongkorn University
Classification: Pathogenic for Geleophysic dysplasia 3. Review status: criteria provided, single submitter. Criteria: ACMG Guidelines, 2015. Collection method: clinical testing. Allele origin: germline. Inheritance: Autosomal dominant inheritance. Affected: yes. Observed: 1 variant allele, 1 heterozygote.
Comment: The amino acid changed from glycine to cysteine at position 673 situated within a calcium-binding EGF-like domain and highly conserved in various species (Intarak et. al. 2019).

Literature cited by the submitters: PubMed 30887145.